The following is an entry in ClinVar:

ClinVar aggregate classification (germline): Uncertain significance (1 of 4 stars; one submission).

Conditions:
Tumor predisposition syndrome 3 (TPDS3). Also called: Glioma susceptibility 9; LONG TELOMERE SYNDROME, POT1-RELATED; POT1 Tumor Predisposition; Melanoma, cutaneous malignant, susceptibility to, 10. Identifiers: Orphanet 618, MedGen C4014476, MONDO:0014368, OMIM 615848.

gnomAD v4.1: 1 of 1,609,602 alleles (0.000062%); highest among the groups gnomAD compares: Non-Finnish European, 0.000085%; no homozygotes.

Submission:

Labcorp Genetics (formerly Invitae), Labcorp
Classification: Uncertain significance for Tumor predisposition syndrome 3. Last evaluated: 2021-05-02. Review status: criteria provided, single submitter. Criteria: Invitae Variant Classification Sherloc (09022015). Collection method: clinical testing. Allele origin: germline.
Comment: This sequence change replaces aspartic acid with valine at codon 617 of the POT1 protein (p.Asp617Val). The aspartic acid residue is weakly conserved and there is a large physicochemical difference between aspartic acid and valine. In summary, the available evidence is currently insufficient to determine the role of this variant in disease. Therefore, it has been classified as a Variant of Uncertain Significance. Algorithms developed to predict the effect of missense changes on protein structure and function are either unavailable or do not agree on the potential impact of this missense change (SIFT: "Deleterious"; PolyPhen-2: "Benign"; Align-GVGD: "Class C0"). This variant has not been reported in the literature in individuals with POT1-related conditions. This variant is not present in population databases (ExAC no frequency).

NM_015450.3(POT1):c.1850A>T (p.Asp617Val)

Gene: POT1 (protection of telomeres 1; minus strand). Cytogenetic location: 7q31.33.
Variant type: single nucleotide variant.
Coding change: c.1850A>T on transcript NM_015450.3 (MANE Select); coding-DNA position 1850, A replaced by T.
Protein change: p.Asp617Val; replaces aspartic acid 617 with valine.
Molecular consequence: missense variant. On other transcripts: non-coding transcript variant (3).
Genome position (GRCh38, 1-based): chr7:124,824,017, T>A on the plus strand (A>T on the coding strand, the complement: POT1 is on the minus strand). VCF-style: chr7-124824017-T-A. GRCh37 (hg19) VCF-style: chr7-124464071-T-A.
Other names: c.1457A>T, p.Asp486Val (NM_001042594.2); short protein forms D486V, D617V.
Identifiers: ClinVar variation 1516965 (VCV001516965.8), dbSNP rs907969253, ClinGen allele CA369061170.